The following is an entry in ClinVar:

ClinVar aggregate classification (germline): Uncertain significance (1 of 4 stars; one submission).

gnomAD v4.1: 1 of 1,286,670 alleles (0.000078%); highest among the groups gnomAD compares: Non-Finnish European, 0.000099%; no homozygotes.

Submission:

GeneDx
Classification: Uncertain significance. Last evaluated: 2025-06-28. Review status: criteria provided, single submitter. Criteria: GeneDx Variant Classification Process June 2021. Collection method: clinical testing. Allele origin: germline. Affected: yes.
Comment: Not observed at significant frequency in large population cohorts (gnomAD); In silico analysis suggests that this missense variant does not alter protein structure/function; Has not been previously published as pathogenic or benign to our knowledge

NM_032482.3(DOT1L):c.62C>T (p.Pro21Leu)

Genes: AP3D1 (adaptor related protein complex 3 subunit delta 1; minus strand), DOT1L (DOT1 like histone lysine methyltransferase; plus strand), LOC130063030 (ATAC-STARR-seq lymphoblastoid silent region 9769; plus strand). Cytogenetic location: 19p13.3.
Variant type: single nucleotide variant.
Coding change: c.62C>T on transcript NM_032482.3 (MANE Select); coding-DNA position 62, C replaced by T.
Protein change: p.Pro21Leu; replaces proline 21 with leucine.
Molecular consequence: missense variant.
Genome position (GRCh38, 1-based): chr19:2,164,246, C>T. VCF-style: chr19-2164246-C-T. GRCh37 (hg19) VCF-style: chr19-2164245-C-T.
Other names: c.62C>T, p.Pro21Leu (NM_001411141.1); short protein forms P21L.
Identifiers: ClinVar variation 4539939 (VCV004539939.1).